The following is an entry in ClinVar:

NM_001276345.2(TNNT2):c.735G>C (p.Glu245Asp)

Gene: TNNT2 (troponin T2, cardiac type; minus strand). Cytogenetic location: 1q32.1.
Variant type: single nucleotide variant.
Coding change: c.735G>C on transcript NM_001276345.2 (MANE Select); coding-DNA position 735, G replaced by C.
Protein change: p.Glu245Asp; replaces glutamic acid 245 with aspartic acid.
Molecular consequence: missense variant.
Genome position (GRCh38, 1-based): chr1:201,361,354, C>G on the plus strand (G>C on the coding strand, the complement: TNNT2 is on the minus strand). VCF-style: chr1-201361354-C-G. GRCh37 (hg19) VCF-style: chr1-201330482-C-G.
Other names: c.726G>C, p.Glu242Asp (NM_000364.4, NM_001406723.1); c.705G>C, p.Glu235Asp (NM_001001430.3, NM_001276347.2, NM_001406724.1); c.696G>C, p.Glu232Asp (NM_001001431.3, NM_001406726.1, NM_001406727.1); c.687G>C, p.Glu229Asp (NM_001001432.3); c.606G>C, p.Glu202Asp (NM_001276346.2); c.702G>C, p.Glu234Asp (NM_001406725.1); c.690G>C, p.Glu230Asp (NM_001406728.1); short protein forms E202D, E229D, E230D, E232D, E234D, E235D, E242D, E245D.
Identifiers: ClinVar variation 3386114 (VCV003386114.1).

ClinVar aggregate classification (germline): Uncertain significance (1 of 4 stars; one submission).

Conditions:
Cardiomyopathy (CMYO). Also called: Cardiomyopathies. Identifiers: Orphanet 167848, MedGen C0878544, MONDO:0004994, HP:0001638. Inheritance: Various modes of inheritance.

Submission:

All of Us Research Program, National Institutes of Health
Classification: Uncertain significance for Cardiomyopathy. Last evaluated: 2024-03-05. Review status: criteria provided, single submitter. Criteria: ACMG Guidelines, 2015. Collection method: clinical testing. Allele origin: germline. Inheritance: Autosomal dominant inheritance. Observed: 1 variant allele, 1 heterozygote.
Comment: This study involves interpretation of variants in research participants for the purpose of population health screening. Participant phenotype was not available at the time of variant classification. Additional details can be found in publication PMID: 35346344, PMCID: PMC8962531